The following is an entry in ClinVar:

ClinVar aggregate classification (germline): Pathogenic (1 of 4 stars; one submission).

Submission:

Labcorp Genetics (formerly Invitae), Labcorp
Classification: Pathogenic. Last evaluated: 2023-02-25. Review status: criteria provided, single submitter. Criteria: Invitae Variant Classification Sherloc (09022015). Collection method: clinical testing. Allele origin: unknown.
Comment: For these reasons, this variant has been classified as Pathogenic. This variant disrupts a region of the SLC38A8 protein in which other variant(s) (p.Asp283Ala) have been determined to be pathogenic (PMID: 28546991, 29345414, 33498813; Invitae). This suggests that this is a clinically significant region of the protein, and that variants that disrupt it are likely to be disease-causing. This variant is a gross deletion of the genomic region encompassing exon(s) 2-9 of the SLC38A8 gene. While this deletion is not anticipated to lead to nonsense mediated decay, it is expected to disrupt the C-terminus of the protein. This variant has not been reported in the literature in individuals affected with SLC38A8-related conditions.

Literature cited by the submitters: PubMed 28546991; PubMed 29345414; PubMed 33498813.

NC_000016.9:g.(?_84046586)_(84070525_?)del

Gene: SLC38A8 (solute carrier family 38 member 8; minus strand). Cytogenetic location: 16q23.3.
Variant type: Deletion.
Identifiers: ClinVar variation 3243597 (VCV003243597.1).